The following is an entry in ClinVar:

NM_004415.4(DSP):c.8330C>A (p.Pro2777His)

Gene: DSP (desmoplakin; plus strand). Cytogenetic location: 6p24.3.
Variant type: single nucleotide variant.
Coding change: c.8330C>A on transcript NM_004415.4 (MANE Select); coding-DNA position 8330, C replaced by A.
Protein change: p.Pro2777His; replaces proline 2777 with histidine.
Molecular consequence: missense variant.
Genome position (GRCh38, 1-based): chr6:7,585,592, C>A. VCF-style: chr6-7585592-C-A. GRCh37 (hg19) VCF-style: chr6-7585825-C-A.
Other names: p.P2777H:CCC>CAC; c.6533C>A, p.Pro2178His (NM_001008844.3); c.7001C>A, p.Pro2334His (NM_001319034.2); c.8330C>A (LRG_423t1); short protein forms P2777H, P2178H, P2334H.
Identifiers: ClinVar variation 199909 (VCV000199909.22), dbSNP rs376273136, ClinGen allele CA007474.

ClinVar aggregate classification (germline): Uncertain significance. Review status: criteria provided, multiple submitters, no conflicts (2 of 4 stars). 5 submissions from 5 submitters: Uncertain significance (5). Last evaluated 2025-11-04.

Conditions:
Cardiovascular phenotype. Identifiers: MedGen CN230736.
Arrhythmogenic cardiomyopathy with wooly hair and keratoderma. Also called: Carvajal syndrome; Dilated cardiomyopathy with woolly hair and keratoderma; Arrhythmogenic cardiomyopathy with woolly hair and keratoderma; PALMOPLANTAR KERATODERMA WITH LEFT VENTRICULAR CARDIOMYOPATHY AND WOOLLY HAIR. Identifiers: Orphanet 65282, MedGen C1854063, MONDO:0011581, OMIM 605676.
Arrhythmogenic right ventricular dysplasia 8 (ARVD8). Also called: Arrhythmogenic Right Ventricular Dysplasia/Cardiomyopathy 8; ARRHYTHMOGENIC RIGHT VENTRICULAR CARDIOMYOPATHY 8; ARRHYTHMOGENIC RIGHT VENTRICULAR DYSPLASIA, FAMILIAL, 8. Identifiers: MedGen C1843896, MONDO:0011831, OMIM 607450.
Cardiomyopathy (CMYO). Also called: Cardiomyopathies. Identifiers: Orphanet 167848, MedGen C0878544, MONDO:0004994, HP:0001638. Inheritance: Various modes of inheritance.

Allele frequency attached by ClinVar (database versions not stated): gnomAD 0.00001; gnomAD exomes 0.00001; ExAC 0.00002; TOPMed 0.00002; ESP Exome Variant Server 0.00015.
gnomAD v4.1: 10 of 1,614,050 alleles (0.00062%); highest among the groups gnomAD compares: Non-Finnish European, 0.00085%; no homozygotes.

Submissions (5):

Ambry Genetics
Classification: Uncertain significance for Cardiovascular phenotype. Last evaluated: 2025-11-04. Review status: criteria provided, single submitter. Criteria: Ambry Variant Classification Scheme 2023. Collection method: clinical testing. Allele origin: germline.
Comment: The p.P2777H variant (also known as c.8330C>A), located in coding exon 24 of the DSP gene, results from a C to A substitution at nucleotide position 8330. The proline at codon 2777 is replaced by histidine, an amino acid with similar properties. This variant was detected in a child with long QT syndrome who also had a reportedly de novo CALM1 variant and a GJA5 variant detected; This variant was also reported in an individual with left ventricular hypertrabeculation (Miszalski-Jamka K et al. Circ Cardiovasc Genet, 2017 Aug;10:[Epub ahead of print]). This amino acid position is highly conserved in available vertebrate species. In addition, this alteration is predicted to be deleterious by in silico analysis. Since supporting evidence is limited at this time, the clinical significance of this alteration remains unclear.

Labcorp Genetics (formerly Invitae), Labcorp
Classification: Uncertain significance for Arrhythmogenic cardiomyopathy with wooly hair and keratoderma; Arrhythmogenic right ventricular dysplasia 8. Last evaluated: 2025-10-28. Review status: criteria provided, single submitter. Criteria: Invitae Variant Classification Sherloc (09022015). Collection method: clinical testing. Allele origin: germline.
Comment: This sequence change replaces proline, which is neutral and non-polar, with histidine, which is basic and polar, at codon 2777 of the DSP protein (p.Pro2777His). This variant is present in population databases (rs376273136, gnomAD 0.0009%). This missense change has been observed in individual(s) with DSP-related conditions (PMID: 27374306, 28798025). ClinVar contains an entry for this variant (Variation ID: 199909). An algorithm developed to predict the effect of missense changes on protein structure and function (PolyPhen-2) suggests that this variant is likely to be disruptive. In summary, the available evidence is currently insufficient to determine the role of this variant in disease. Therefore, it has been classified as a Variant of Uncertain Significance.

All of Us Research Program, National Institutes of Health
Classification: Uncertain significance for Arrhythmogenic cardiomyopathy with wooly hair and keratoderma. Last evaluated: 2024-06-09. Review status: criteria provided, single submitter. Criteria: ACMG Guidelines, 2015. Collection method: clinical testing. Allele origin: germline. Inheritance: Autosomal dominant inheritance. Observed: 11 variant alleles, 11 heterozygotes.
Comment: This missense variant replaces proline with histidine at codon 2777 of the DSP protein. Computational prediction suggests that this variant may have a deleterious impact on protein structure and function (internally defined REVEL score threshold >= 0.7, PMID: 27666373). To our knowledge, functional studies have not been reported for this variant. This variant has been reported in a child affected with long QT syndrome as well as in an unaffected parent (PMID: 27374306, 28784889). It has also been reported in an individual affected with left ventricular noncompaction (PMID: 28798025). This variant has not been identified in the general population by the Genome Aggregation Database (gnomAD). The available evidence is insufficient to determine the role of this variant in disease conclusively. Therefore, this variant is classified as a Variant of Uncertain Significance.

This study involves interpretation of variants in research participants for the purpose of population health screening. Participant phenotype was not available at the time of variant classification. Additional details can be found in publication PMID: 35346344, PMCID: PMC8962531

Color Diagnostics, LLC DBA Color Health
Classification: Uncertain significance for Cardiomyopathy. Last evaluated: 2024-05-13. Review status: criteria provided, single submitter. Criteria: ACMG Guidelines, 2015. Collection method: clinical testing. Allele origin: germline.
Comment: This missense variant replaces proline with histidine at codon 2777 of the DSP protein. Computational prediction suggests that this variant may have a deleterious impact on protein structure and function (internally defined REVEL score threshold >= 0.7, PMID: 27666373). To our knowledge, functional studies have not been reported for this variant. This variant has been reported in a child affected with long QT syndrome as well as in an unaffected parent (PMID: 27374306, 28784889). It has also been reported in an individual affected with left ventricular noncompaction (PMID: 28798025). This variant has not been identified in the general population by the Genome Aggregation Database (gnomAD). The available evidence is insufficient to determine the role of this variant in disease conclusively. Therefore, this variant is classified as a Variant of Uncertain Significance.

GeneDx
Classification: Uncertain significance. Last evaluated: 2021-09-17. Review status: criteria provided, single submitter. Criteria: GeneDx Variant Classification Process June 2021. Collection method: clinical testing. Allele origin: germline. Affected: yes.
Comment: Reported in an individual with left ventricular hypertrabeculation who harbored an additional missense variant in the GATA4 gene (Miszalski-Jamka et al., 2017); Reported in ClinVar as a variant of uncertain significance (ClinVar Variant ID# 199909; Landrum et al., 2016); Not observed in large population cohorts (Lek et al., 2016); In silico analysis supports that this missense variant has a deleterious effect on protein structure/function This variant is associated with the following publications: (PMID: 28784889, 28798025, 27374306)

Literature cited by the submitters: PubMed 27374306 (cited by 4 submitters); PubMed 28798025 (cited by 4 submitters); PubMed 28784889 (cited by All of Us Research Program, National Institutes of Health and Color Diagnostics, LLC DBA Color Health).